The following is an entry in ClinVar:

NM_001282225.2(ADA2):c.1045G>A (p.Val349Ile)

Gene: ADA2 (adenosine deaminase 2; minus strand). Cytogenetic location: 22q11.1.
Variant type: single nucleotide variant.
Coding change: c.1045G>A on transcript NM_001282225.2 (MANE Select); coding-DNA position 1045, G replaced by A.
Protein change: p.Val349Ile; replaces valine 349 with isoleucine.
Molecular consequence: missense variant.
Genome position (GRCh38, 1-based): chr22:17,188,375, C>T on the plus strand (G>A on the coding strand, the complement: ADA2 is on the minus strand). VCF-style: chr22-17188375-C-T. GRCh37 (hg19) VCF-style: chr22-17669265-C-T.
Other names: p.Val349Ile; c.1045G>A, p.Val349Ile (NM_001282226.2); c.919G>A, p.Val307Ile (NM_001282227.2, NM_001282228.2); c.685G>A, p.Val229Ile (NM_001282229.2); c.322G>A, p.Val108Ile (NM_177405.3); short protein forms V307I, V349I, V108I, V229I.
Identifiers: ClinVar variation 430693 (VCV000430693.77), dbSNP rs74317375, ClinGen allele CA10087992.
Genomic context (GRCh38, chr22:17,188,375, plus strand): 5'-TCTGCTCGCATCCCGCAGGCTCACCTGTTTCTCCGGCGTGGAAGAAGTAAGGCAGCTTAA[C>T]GCCATCCTTGGCGGGGATCATCAGAGCTTCCTTGTAGTCATGCAAGGAGTGGCCAGTGTC-3'
Protein context (NP_001269154.1, residues 339-359): EALMIPAKDG[Val349Ile]KLPYFFHAGE

ClinVar aggregate classification (germline): Benign/Likely benign. Review status: criteria provided, multiple submitters, no conflicts (2 of 4 stars). 13 submissions from 13 submitters: Benign (2); Likely benign (7). 4 of the submissions do not count toward it. Last evaluated 2026-07-01.

Conditions:
Behcet disease (BD). Also called: Behcet Syndrome; Behcet's syndrome. Identifiers: Orphanet 117, MedGen C0004943, MONDO:0007191, OMIM 109650, MeSH D001528.
ADA2-related disorder. Also called: ADA2-related condition.
Deficiency of adenosine deaminase 2. Also called: Adenosine Deaminase 2 Deficiency; Polyarteritis nodosa, childhoood-onset; VASCULITIS, AUTOINFLAMMATION, IMMUNODEFICIENCY, AND HEMATOLOGIC DEFECTS SYNDROME. Identifiers: Orphanet 404553, MedGen C3887654, MONDO:0014306, OMIM 615688, MONDO:0100317.
Autoinflammatory syndrome. Identifiers: Orphanet 93665, MedGen C3890737, MONDO:0019751.

Allele frequency attached by ClinVar (database versions not stated): 1000 Genomes Project 0.00080; 1000 Genomes Project 30x 0.00094; gnomAD exomes 0.00211 and 0.00331; ESP Exome Variant Server 0.00215; ExAC 0.00217; gnomAD 0.00223 and 0.00227; TOPMed 0.00243.
gnomAD v4.1: 5,197 of 1,614,100 alleles (0.32%); highest among the groups gnomAD compares: Non-Finnish European, 0.4%; 14 homozygotes.

Submissions (13):

CeGaT Center for Human Genetics Tuebingen
Classification: Likely benign. Last evaluated: 2026-07-01. Review status: criteria provided, single submitter. Criteria: CeGaT Center For Human Genetics Tuebingen Variant Classification Criteria Version 2. Collection method: clinical testing. Allele origin: germline. Affected: yes. Observed: 27 variant alleles.
Comment: ADA2: BS2

Labcorp Genetics (formerly Invitae), Labcorp
Classification: Benign for Deficiency of adenosine deaminase 2. Last evaluated: 2026-02-03. Review status: criteria provided, single submitter. Criteria: Invitae Variant Classification Sherloc (09022015). Collection method: clinical testing. Allele origin: germline.

ARUP Laboratories, Molecular Genetics and Genomics, ARUP Laboratories
Classification: Likely benign. Last evaluated: 2025-07-16. Review status: criteria provided, single submitter. Criteria: ARUP Molecular Germline Variant Investigation Process 2024. Collection method: clinical testing. Allele origin: germline.

Blueprint Genetics
Classification: Likely benign. Last evaluated: 2024-11-28. Review status: criteria provided, single submitter. Criteria: ACMG Guidelines, 2015. Collection method: clinical testing. Allele origin: germline.

Mayo Clinic Laboratories, Mayo Clinic
Classification: Benign. Last evaluated: 2024-09-04. Review status: criteria provided, single submitter. Criteria: ACMG Guidelines, 2015. Collection method: clinical testing. Allele origin: germline. Observed: 5 variant alleles.
Comment: BS1, BS2, BP4

Genome Diagnostics Laboratory, The Hospital for Sick Children
Classification: Likely benign for Autoinflammatory syndrome. Last evaluated: 2022-04-19. Review status: criteria provided, single submitter. Criteria: ACMG Guidelines, 2015. Collection method: clinical testing. Allele origin: germline. Affected: yes.

Genetic Services Laboratory, University of Chicago
Classification: Likely benign. Last evaluated: 2021-11-22. Review status: criteria provided, single submitter. Criteria: ACMG Guidelines, 2015. Collection method: clinical testing. Allele origin: germline. Affected: no.

Genetics and Molecular Pathology, SA Pathology
Classification: Likely benign for Deficiency of adenosine deaminase 2. Last evaluated: 2020-06-30. Review status: criteria provided, single submitter. Criteria: ACMG Guidelines, 2015. Collection method: clinical testing. Allele origin: germline. Inheritance: Autosomal recessive inheritance. Affected: yes.

Breakthrough Genomics
Classification: Likely benign. Review status: criteria provided, single submitter. Criteria: ACMG Guidelines, 2015. Collection method: not provided. Allele origin: germline. Inheritance: Autosomal recessive inheritance. Affected: yes.

PreventionGenetics, part of Exact Sciences
Classification: Likely benign for ADA2-related condition. Last evaluated: 2021-06-21. Review status: no assertion criteria provided. Collection method: clinical testing. Allele origin: germline. Not counted in ClinVar's aggregate classification.
Comment: This variant is classified as likely benign based on ACMG/AMP sequence variant interpretation guidelines (Richards et al. 2015 PMID: 25741868, with internal and published modifications).

Department of Immunology, Hospital Universitario Virgen del Rocio
Classification: Pathogenic for Behcet disease. Last evaluated: 2017-06-25. Review status: no assertion criteria provided. Collection method: case-control. Allele origin: germline. Affected: yes. Observed: 3 variant alleles, 3 heterozygotes. Not counted in ClinVar's aggregate classification.

Clinical Genetics DNA and cytogenetics Diagnostics Lab, Erasmus MC, Erasmus Medical Center
Classification: Likely benign. Review status: no assertion criteria provided. Collection method: clinical testing. Allele origin: germline. Affected: yes. Study: VKGL Data-share Consensus. Not counted in ClinVar's aggregate classification.

Genome Diagnostics Laboratory, University Medical Center Utrecht
Classification: Likely benign. Review status: no assertion criteria provided. Collection method: clinical testing. Allele origin: germline. Affected: yes. Study: VKGL Data-share Consensus. Not counted in ClinVar's aggregate classification.

Literature cited by the submitters: PubMed 33021335 (cited by Mayo Clinic Laboratories, Mayo Clinic).